The following is an entry in ClinVar:

ClinVar aggregate classification (germline): Uncertain significance (1 of 4 stars; one submission).

Conditions:
Gastrointestinal stromal tumor. Also called: Gastrointestinal stromal tumor, somatic; Gastrointestinal stroma tumor. Identifiers: Orphanet 44890, MedGen C0238198, MeSH D046152, MONDO:0011719, OMIM 606764, HP:0100723.

Submission:

Labcorp Genetics (formerly Invitae), Labcorp
Classification: Uncertain significance for Gastrointestinal stromal tumor. Last evaluated: 2024-05-09. Review status: criteria provided, single submitter. Criteria: Invitae Variant Classification Sherloc (09022015). Collection method: clinical testing. Allele origin: germline.
Comment: This sequence change replaces cysteine, which is neutral and slightly polar, with serine, which is neutral and polar, at codon 49 of the PDGFRA protein (p.Cys49Ser). This variant is not present in population databases (gnomAD no frequency). This variant has not been reported in the literature in individuals affected with PDGFRA-related conditions. Advanced modeling of protein sequence and biophysical properties (such as structural, functional, and spatial information, amino acid conservation, physicochemical variation, residue mobility, and thermodynamic stability) has been performed at Invitae for this missense variant, however the output from this modeling did not meet the statistical confidence thresholds required to predict the impact of this variant on PDGFRA protein function. In summary, the available evidence is currently insufficient to determine the role of this variant in disease. Therefore, it has been classified as a Variant of Uncertain Significance.

NM_006206.6(PDGFRA):c.145T>A (p.Cys49Ser)

Gene: PDGFRA (platelet derived growth factor receptor alpha; plus strand). Cytogenetic location: 4q12.
Variant type: single nucleotide variant.
Coding change: c.145T>A on transcript NM_006206.6 (MANE Select); coding-DNA position 145, T replaced by A.
Protein change: p.Cys49Ser; replaces cysteine 49 with serine.
Molecular consequence: missense variant.
Genome position (GRCh38, 1-based): chr4:54,261,190, T>A. VCF-style: chr4-54261190-T-A. GRCh37 (hg19) VCF-style: chr4-55127357-T-A.
Other names: c.145T>A, p.Cys49Ser (NM_001347827.2, NM_001347829.2); c.220T>A, p.Cys74Ser (NM_001347828.2); c.184T>A, p.Cys62Ser (NM_001347830.2); short protein forms C49S, C62S, C74S.
Identifiers: ClinVar variation 3664896 (VCV003664896.2).